The following is an entry in ClinVar:

NC_000011.9:g.(?_68548098)_(68548223_?)del

Gene: CPT1A (carnitine palmitoyltransferase 1A; minus strand). Cytogenetic location: 11q13.3.
Variant type: Deletion.
Identifiers: ClinVar variation 1455520 (VCV001455520.4).

ClinVar aggregate classification (germline): Pathogenic (1 of 4 stars; one submission).

Conditions:
Carnitine palmitoyl transferase 1A deficiency. Also called: Carnitine palmitoyltransferase type I deficiency; CPT deficiency, hepatic, type IA; CPT I DEFICIENCY; CPT DEFICIENCY, HEPATIC, TYPE I; Carnitine palmitoyltransferase 1A deficiency. Identifiers: Orphanet 156, MedGen C1829703, MONDO:0009705, OMIM 255120.

Submission:

Labcorp Genetics (formerly Invitae), Labcorp
Classification: Pathogenic for Carnitine palmitoyl transferase 1A deficiency. Last evaluated: 2021-11-13. Review status: criteria provided, single submitter. Criteria: Invitae Variant Classification Sherloc (09022015). Collection method: clinical testing. Allele origin: germline.
Comment: This variant has not been reported in the literature in individuals affected with CPT1A-related conditions. For these reasons, this variant has been classified as Pathogenic. This variant is a gross deletion of the genomic region encompassing exon(s) 12 of the CPT1A gene. This deletion is out-of-frame, and is expected to create a premature termination codon and result in an absent or disrupted protein product. Loss-of-function variants in CPT1A are known to be pathogenic (PMID: 16169268).

Literature cited by the submitters: PubMed 16169268.